The following is an entry in ClinVar:

ClinVar aggregate classification (germline): Uncertain significance. Review status: criteria provided, multiple submitters, no conflicts (2 of 4 stars). 2 submissions from 2 submitters: Uncertain significance (2). Last evaluated 2024-02-28.

Allele frequency attached by ClinVar (database versions not stated): gnomAD exomes below 0.00001.
gnomAD v4.1: 2 of 1,614,108 alleles (0.00012%); highest among the groups gnomAD compares: Non-Finnish European, 0.00017%; no homozygotes.

Submissions (2):

Dasa
Classification: Uncertain significance. Last evaluated: 2024-02-28. Review status: criteria provided, single submitter. Criteria: DASA Assertion Criteria. Collection method: clinical testing. Allele origin: germline.
Comment: NM_001457.4(FLNB):c.4477G>A (p.Val1493Ile) is a missense variant that results in the substitution of valine with isoleucine. This variant is rare in population databases. Computational prediction algorithms are consistent with a benign effect. The currently available literature and clinical evidence are not sufficient to establish a definitive association between this variant and the reported condition. Therefore, this variant is classified as a variant of uncertain significance.

Labcorp Genetics (formerly Invitae), Labcorp
Classification: Uncertain significance. Last evaluated: 2022-05-30. Review status: criteria provided, single submitter. Criteria: Invitae Variant Classification Sherloc (09022015). Collection method: clinical testing. Allele origin: germline.
Comment: Advanced modeling of protein sequence and biophysical properties (such as structural, functional, and spatial information, amino acid conservation, physicochemical variation, residue mobility, and thermodynamic stability) performed at Invitae indicates that this missense variant is not expected to disrupt FLNB protein function. This sequence change replaces valine, which is neutral and non-polar, with isoleucine, which is neutral and non-polar, at codon 1493 of the FLNB protein (p.Val1493Ile). This variant is not present in population databases (gnomAD no frequency). This variant has not been reported in the literature in individuals affected with FLNB-related conditions. In summary, the available evidence is currently insufficient to determine the role of this variant in disease. Therefore, it has been classified as a Variant of Uncertain Significance.

NM_001457.4(FLNB):c.4477G>A (p.Val1493Ile)

Gene: FLNB (filamin B; plus strand). Cytogenetic location: 3p14.3.
Variant type: single nucleotide variant.
Coding change: c.4477G>A on transcript NM_001457.4 (MANE Select); coding-DNA position 4477, G replaced by A.
Protein change: p.Val1493Ile; replaces valine 1493 with isoleucine.
Molecular consequence: missense variant.
Genome position (GRCh38, 1-based): chr3:58,132,894, G>A. VCF-style: chr3-58132894-G-A. GRCh37 (hg19) VCF-style: chr3-58118621-G-A.
Other names: c.4570G>A, p.Val1524Ile (NM_001164317.2); c.4477G>A, p.Val1493Ile (NM_001164318.2, NM_001164319.2); short protein forms V1524I, V1493I.
Identifiers: ClinVar variation 2097248 (VCV002097248.6), dbSNP rs1484091821, ClinGen allele CA353351474.